The following is an entry in ClinVar:

ClinVar aggregate classification (germline): Uncertain significance (1 of 4 stars; one submission).

Submission:

Labcorp Genetics (formerly Invitae), Labcorp
Classification: Uncertain significance. Last evaluated: 2024-06-04. Review status: criteria provided, single submitter. Criteria: Invitae Variant Classification Sherloc (09022015). Collection method: clinical testing. Allele origin: germline.
Comment: This variant, c.346_390del, results in the deletion of 15 amino acid(s) of the LOR protein (p.Ser136_Gly150del), but otherwise preserves the integrity of the reading frame. The frequency data for this variant in the population databases is considered unreliable, as metrics indicate poor data quality at this position in the gnomAD database. This variant has not been reported in the literature in individuals affected with LOR-related conditions. Experimental studies and prediction algorithms are not available or were not evaluated, and the functional significance of this variant is currently unknown. In summary, the available evidence is currently insufficient to determine the role of this variant in disease. Therefore, it has been classified as a Variant of Uncertain Significance.

NM_000427.3(LORICRIN):c.346_390del (p.121SSGGGSGCFSSGGGG[1])

Gene: LORICRIN (loricrin cornified envelope precursor protein; plus strand). Cytogenetic location: 1q21.3.
Variant type: Deletion.
Coding change: c.346_390del on transcript NM_000427.3 (MANE Select); coding-DNA positions 346 to 390, 45 bases deleted.
Protein change: p.121SSGGGSGCFSSGGGG[1].
Genome position (GRCh38, 1-based): chr1:153,261,295-153,261,339, 45 bases deleted; deleting any 45 consecutive bases within chr1:153,261,271-153,261,339 gives the same sequence; the c. name uses the placement nearest the transcript's 3' end. GRCh37 (hg19): chr1:153,233,771-153,233,815.
Identifiers: ClinVar variation 3709752 (VCV003709752.2).